The following is an entry in ClinVar:

NC_000019.9:g.(?_17948721)_(17950492_?)del

Gene: JAK3 (Janus kinase 3; minus strand). Cytogenetic location: 19p13.11.
Variant type: Deletion.
Identifiers: ClinVar variation 3248436 (VCV003248436.1).

ClinVar aggregate classification (germline): Pathogenic (1 of 4 stars; one submission).

Conditions:
T-B+ severe combined immunodeficiency due to JAK3 deficiency. Also called: SCID, T CELL-NEGATIVE, B CELL-POSITIVE, NK CELL-NEGATIVE; SCID, autosomal recessive, T-negative/B-positive type. Identifiers: Orphanet 35078, MedGen C1833275, MONDO:0010938, OMIM 600802.

Submission:

Labcorp Genetics (formerly Invitae), Labcorp
Classification: Pathogenic for T-B+ severe combined immunodeficiency due to JAK3 deficiency. Last evaluated: 2023-02-02. Review status: criteria provided, single submitter. Criteria: Invitae Variant Classification Sherloc (09022015). Collection method: clinical testing. Allele origin: unknown.
Comment: This variant is a gross deletion of the genomic region encompassing exon(s) 10-12 of the JAK3 gene. This variant would be expected to be in-frame, preserving the integrity of the reading frame. This variant has not been reported in the literature in individuals affected with JAK3-related conditions. This variant disrupts a region of the JAK3 protein in which other variant(s) (p.Glu481Gly) have been determined to be pathogenic (PMID: 9354668, 19889552, 33365035, 33628209). This suggests that this is a clinically significant region of the protein, and that variants that disrupt it are likely to be disease-causing. For these reasons, this variant has been classified as Pathogenic.

Literature cited by the submitters: PubMed 9354668; PubMed 19889552; PubMed 33365035; PubMed 33628209.